The following is an entry in ClinVar:

ClinVar aggregate classification (germline): Benign/Likely benign. Review status: criteria provided, multiple submitters, no conflicts (2 of 4 stars). 7 submissions from 7 submitters: Benign (6); Likely benign (1). Last evaluated 2026-02-04.

Conditions:
Autosomal dominant aplasia and myelodysplasia. Also called: Bone marrow failure syndrome 1. Identifiers: Orphanet 314399, MedGen C3808553, MONDO:0013851, OMIM 614675.

Allele frequency attached by ClinVar (database versions not stated): ESP Exome Variant Server 0.01807; gnomAD 0.02284 and 0.02640; TOPMed 0.02611; ExAC 0.04151; gnomAD exomes 0.04226; 1000 Genomes Project 30x 0.05887; 1000 Genomes Project 0.06150.
gnomAD v4.1: 47,991 of 1,613,700 alleles (3%); highest among the groups gnomAD compares: East Asian, 21%; 1,682 homozygotes.

Submissions (7):

Labcorp Genetics (formerly Invitae), Labcorp
Classification: Benign. Last evaluated: 2026-02-04. Review status: criteria provided, single submitter. Criteria: Invitae Variant Classification Sherloc (09022015). Collection method: clinical testing. Allele origin: germline.

ARUP Laboratories, Molecular Genetics and Genomics, ARUP Laboratories
Classification: Benign for Autosomal dominant aplasia and myelodysplasia. Last evaluated: 2025-07-07. Review status: criteria provided, single submitter. Criteria: ARUP Molecular Germline Variant Investigation Process 2024. Collection method: clinical testing. Allele origin: germline.

Blueprint Genetics
Classification: Likely benign. Last evaluated: 2024-11-26. Review status: criteria provided, single submitter. Criteria: ACMG Guidelines, 2015. Collection method: clinical testing. Allele origin: germline.

Mayo Clinic Laboratories, Mayo Clinic
Classification: Benign. Last evaluated: 2022-09-06. Review status: criteria provided, single submitter. Criteria: ACMG Guidelines, 2015. Collection method: clinical testing. Allele origin: germline. Observed: 2 variant alleles.

GeneDx
Classification: Benign. Last evaluated: 2019-01-10. Review status: criteria provided, single submitter. Criteria: GeneDx Variant Classification Process June 2021. Collection method: clinical testing. Allele origin: germline. Affected: yes.

Illumina Laboratory Services, Illumina
Classification: Benign for Autosomal dominant aplasia and myelodysplasia. Last evaluated: 2018-01-13. Review status: criteria provided, single submitter. Criteria: ICSL Variant Classification Criteria 13 December 2019. Collection method: clinical testing. Allele origin: germline.
Comment: This variant was observed in the ICSL laboratory as part of a predisposition screen in an ostensibly healthy population. It had not been previously curated by ICSL or reported in the Human Gene Mutation Database (HGMD: prior to June 1st, 2018), and was therefore a candidate for classification through an automated scoring system. Utilizing variant allele frequency, disease prevalence and penetrance estimates, and inheritance mode, an automated score was calculated to assess if this variant is too frequent to cause the disease. Based on the score and internal cut-off values, a variant classified as benign is not then subjected to further curation. The score for this variant resulted in a classification of benign for this disease.

Breakthrough Genomics
Classification: Benign. Review status: criteria provided, single submitter. Criteria: ACMG Guidelines, 2015. Collection method: not provided. Allele origin: germline. Inheritance: Autosomal dominant inheritance. Affected: yes.

NM_006947.4(SRP72):c.1410A>G (p.Leu470=)

Gene: SRP72 (signal recognition particle 72; plus strand). Cytogenetic location: 4q12.
Variant type: single nucleotide variant.
Coding change: c.1410A>G on transcript NM_006947.4 (MANE Select); coding-DNA position 1410, A replaced by G.
Protein change: p.Leu470=; no amino-acid change (leucine 470 retained).
Molecular consequence: synonymous variant. On other transcripts: non-coding transcript variant (1).
Genome position (GRCh38, 1-based): chr4:56,490,422, A>G. VCF-style: chr4-56490422-A-G. GRCh37 (hg19) VCF-style: chr4-57356588-A-G.
Other names: p.Leu470=; c.1227A>G, p.Leu409= (NM_001267722.2).
Identifiers: ClinVar variation 349128 (VCV000349128.20), dbSNP rs17086879, ClinGen allele CA2931352.